The following is an entry in ClinVar:

ClinVar aggregate classification (germline): Uncertain significance (1 of 4 stars; one submission).

Submission:

Labcorp Genetics (formerly Invitae), Labcorp
Classification: Uncertain significance. Last evaluated: 2025-04-02. Review status: criteria provided, single submitter. Criteria: Invitae Variant Classification Sherloc (09022015). Collection method: clinical testing. Allele origin: germline.
Comment: This sequence change replaces proline, which is neutral and non-polar, with threonine, which is neutral and polar, at codon 1196 of the COL11A2 protein (p.Pro1196Thr). This variant is not present in population databases (gnomAD no frequency). This variant has not been reported in the literature in individuals affected with COL11A2-related conditions. Invitae Evidence Modeling of protein sequence and biophysical properties (such as structural, functional, and spatial information, amino acid conservation, physicochemical variation, residue mobility, and thermodynamic stability) indicates that this missense variant is not expected to disrupt COL11A2 protein function with a negative predictive value of 95%. In summary, the available evidence is currently insufficient to determine the role of this variant in disease. Therefore, it has been classified as a Variant of Uncertain Significance.

NM_080680.3(COL11A2):c.3586C>A (p.Pro1196Thr)

Gene: COL11A2 (collagen type XI alpha 2 chain; minus strand). Cytogenetic location: 6p21.32.
Variant type: single nucleotide variant.
Coding change: c.3586C>A on transcript NM_080680.3 (MANE Select); coding-DNA position 3586, C replaced by A.
Protein change: p.Pro1196Thr; replaces proline 1196 with threonine.
Molecular consequence: missense variant.
Genome position (GRCh38, 1-based): chr6:33,170,097, G>T on the plus strand (C>A on the coding strand, the complement: COL11A2 is on the minus strand). VCF-style: chr6-33170097-G-T. GRCh37 (hg19) VCF-style: chr6-33137874-G-T.
Other names: c.3406C>A, p.Pro1136Thr (NM_001424108.1); c.2740C>A, p.Pro914Thr (NM_001424109.1); c.2560C>A, p.Pro854Thr (NM_001424110.1, NM_001424111.1); c.1540C>A, p.Pro514Thr (NM_001424112.1); c.3265C>A, p.Pro1089Thr (NM_080679.3); c.3328C>A, p.Pro1110Thr (NM_080681.3); short protein forms P1089T, P1110T, P1136T, P1196T, P514T, P854T, P914T.
Identifiers: ClinVar variation 4801311 (VCV004801311.1).